The following is an entry in ClinVar:

NM_000260.4(MYO7A):c.5515_5522dup (p.Gly1842fs)

Gene: MYO7A (myosin VIIA; plus strand). Cytogenetic location: 11q13.5.
Variant type: Duplication.
Coding change: c.5515_5522dup on transcript NM_000260.4 (MANE Select); coding-DNA positions 5515 to 5522, 8 bases duplicated (CTGTGCAC; older notation c.5515_5522dupCTGTGCAC).
Protein change: p.Gly1842fs; shifts the reading frame from glycine 1842.
Molecular consequence: frameshift variant.
Genome position (GRCh38, 1-based): chr11:77,205,496-77,205,503, CTGTGCAC duplicated. VCF-style (leftmost placement, unchanged base first): chr11-77205495-G-GCTGTGCAC. GRCh37 (hg19) VCF-style: chr11-76916540-G-GCTGTGCAC.
Other names: c.5401_5408dup, p.Gly1804fs (NM_001127180.2); c.5368_5375dup, p.Gly1793fs (NM_001369365.1); c.5515_5522dupCTGTGCAC (NM_000260.3); short protein forms G1793fs, G1842fs, G1804fs.
Identifiers: ClinVar variation 2867955 (VCV002867955.4), dbSNP rs762117246, ClinGen allele CA6198733.

ClinVar aggregate classification (germline): Pathogenic. Review status: criteria provided, multiple submitters, no conflicts (2 of 4 stars). 2 submissions from 2 submitters: Pathogenic (2). Last evaluated 2025-02-26.

Conditions:
Usher syndrome type 1B (USH1B). Also called: Usher syndrome type IB. Identifiers: MedGen C1848638, MONDO:0700087.

Allele frequency attached by ClinVar (database versions not stated): gnomAD 0.00001; gnomAD exomes 0.00001; TOPMed 0.00001; ExAC 0.00006.

Submissions (2):

Natera, Inc.
Classification: Pathogenic for Usher syndrome type 1B. Last evaluated: 2025-02-26. Review status: criteria provided, single submitter. Criteria: Natera Variant Classification Schema (03/2026). Collection method: clinical testing. Allele origin: germline.
Comment: The c.5515_5522dupCTGTGCAC variant in MYO7A is a frameshift variant predicted to shift the reading frame beginning at codon 1842 and leads to a stop codon 40 codons downstream. This variant is expected to result in nonsense mediated decay, truncation, or a dysfunctional protein product. This variant is rare in the general population with a frequency below the threshold expected for the associated phenotype(s). This variant has been observed in one or more individuals affected with the associated recessive disease, as either homozygous or compound heterozygous with a second variant (PMID: 35163494). Given the available evidence, this variant is classified as Pathogenic.

Labcorp Genetics (formerly Invitae), Labcorp
Classification: Pathogenic. Last evaluated: 2024-07-18. Review status: criteria provided, single submitter. Criteria: Invitae Variant Classification Sherloc (09022015). Collection method: clinical testing. Allele origin: germline.
Comment: This sequence change creates a premature translational stop signal (p.Gly1842Cysfs*40) in the MYO7A gene. It is expected to result in an absent or disrupted protein product. Loss-of-function variants in MYO7A are known to be pathogenic (PMID: 8900236, 25404053). This variant is present in population databases (rs762117246, gnomAD 0.002%). This variant has not been reported in the literature in individuals affected with MYO7A-related conditions. For these reasons, this variant has been classified as Pathogenic.

Literature cited by the submitters: PubMed 35163494 (cited by Natera, Inc.); PubMed 8900236 (cited by Labcorp Genetics (formerly Invitae), Labcorp); PubMed 25404053 (cited by Labcorp Genetics (formerly Invitae), Labcorp).